The following is an entry in ClinVar:

NM_007289.4(MME):c.779A>G (p.Glu260Gly)

Gene: MME (membrane metalloendopeptidase; plus strand). Cytogenetic location: 3q25.2.
Variant type: single nucleotide variant.
Coding change: c.779A>G on transcript NM_007289.4 (MANE Select); coding-DNA position 779, A replaced by G.
Protein change: p.Glu260Gly; replaces glutamic acid 260 with glycine.
Molecular consequence: missense variant.
Genome position (GRCh38, 1-based): chr3:155,138,160, A>G. VCF-style: chr3-155138160-A-G. GRCh37 (hg19) VCF-style: chr3-154855949-A-G.
Other names: c.779A>G, p.Glu260Gly (NM_000902.5, NM_001354642.2, NM_001354643.1 and 2 more transcripts); short protein forms E260G.
Identifiers: ClinVar variation 1409779 (VCV001409779.6), dbSNP rs200279069, ClinGen allele CA2675274.

ClinVar aggregate classification (germline): Uncertain significance (1 of 4 stars; one submission).

Allele frequency attached by ClinVar (database versions not stated): ExAC 0.00001; gnomAD exomes 0.00001; 1000 Genomes Project 0.00020; 1000 Genomes Project 30x 0.00031.
gnomAD v4.1: 4 of 1,613,798 alleles (0.00025%); highest among the groups gnomAD compares: East Asian, 0.0067%; no homozygotes.

Submission:

Labcorp Genetics (formerly Invitae), Labcorp
Classification: Uncertain significance. Last evaluated: 2021-11-06. Review status: criteria provided, single submitter. Criteria: Invitae Variant Classification Sherloc (09022015). Collection method: clinical testing. Allele origin: germline.
Comment: This sequence change replaces glutamic acid, which is acidic and polar, with glycine, which is neutral and non-polar, at codon 260 of the MME protein (p.Glu260Gly). This variant is present in population databases (rs200279069, gnomAD 0.01%). This variant has not been reported in the literature in individuals affected with MME-related conditions. Algorithms developed to predict the effect of missense changes on protein structure and function (SIFT, PolyPhen-2, Align-GVGD) all suggest that this variant is likely to be tolerated. In summary, the available evidence is currently insufficient to determine the role of this variant in disease. Therefore, it has been classified as a Variant of Uncertain Significance.